The following is an entry in ClinVar:

NM_001130021.3(ATP6V0A1):c.1523G>T (p.Gly508Val)

Gene: ATP6V0A1 (ATPase H+ transporting V0 subunit a1; plus strand). Cytogenetic location: 17q21.2.
Variant type: single nucleotide variant.
Coding change: c.1523G>T on transcript NM_001130021.3 (MANE Select); coding-DNA position 1523, G replaced by T.
Protein change: p.Gly508Val; replaces glycine 508 with valine.
Molecular consequence: missense variant. On other transcripts: intron variant (1).
Genome position (GRCh38, 1-based): chr17:42,495,679, G>T. VCF-style: chr17-42495679-G-T. GRCh37 (hg19) VCF-style: chr17-40647697-G-T.
Other names: c.1544G>T, p.Gly515Val (NM_001130020.3, NM_001378522.1, NM_001378523.1 and 3 more transcripts); c.1646G>T, p.Gly549Val (NM_001378530.1, NM_001378533.1, NM_001378551.1 and 1 more transcripts); c.1667G>T, p.Gly556Val (NM_001378531.1, NM_001378532.1); c.1523G>T, p.Gly508Val (NM_001378535.1, NM_001378537.1, NM_001378542.1 and 3 more transcripts); c.1415G>T, p.Gly472Val (NM_001378536.1, NM_001378550.1, NM_001378556.1); c.1394G>T, p.Gly465Val (NM_001378538.1, NM_001378540.1); c.1364G>T, p.Gly455Val (NM_001378543.1); c.1313G>T, p.Gly438Val (NM_001378545.1, NM_001378554.1); and 3 more; short protein forms G437V, G438V, G448V, G455V, G465V, G472V, G508V, G515V.
Identifiers: ClinVar variation 4855083 (VCV004855083.1).

ClinVar aggregate classification (germline): Uncertain significance (1 of 4 stars; one submission).

Conditions:
Developmental and epileptic encephalopathy 104 (DEE104). Identifiers: MedGen C5774183, MONDO:0031021, OMIM 619970.

Submission:

3billion
Classification: Uncertain significance for Developmental and epileptic encephalopathy 104. Last evaluated: 2025-07-08. Review status: criteria provided, single submitter. Criteria: ACMG Guidelines, 2015. Collection method: clinical testing. Allele origin: germline. Affected: yes.
Comment: The variant is not observed in the gnomAD v4.1.0 dataset. Predicted Consequence/Location: Missense variant In silico tool predictions suggest damaging effect of the variant on gene or gene product [REVEL: 0.71 (>=0.6, sensitivity 0.68 and specificity 0.92)]. Therefore, this variant is classified as VUS according to the recommendation of ACMG/AMP guideline.